The following is an entry in ClinVar:

ClinVar aggregate classification (germline): Uncertain significance (1 of 4 stars; one submission).

gnomAD v4.1: 2 of 1,550,788 alleles (0.00013%); highest among the groups gnomAD compares: Non-Finnish European, 0.00017%; no homozygotes.

Submission:

GeneDx
Classification: Uncertain significance. Last evaluated: 2025-01-30. Review status: criteria provided, single submitter. Criteria: GeneDx Variant Classification Process June 2021. Collection method: clinical testing. Allele origin: germline. Affected: yes.
Comment: Not observed at significant frequency in large population cohorts (gnomAD); In silico analysis supports that this missense variant has a deleterious effect on protein structure/function; Has not been previously published as pathogenic or benign to our knowledge

NM_001292063.2(OTOG):c.3468T>G (p.Phe1156Leu)

Gene: OTOG (otogelin; plus strand). Cytogenetic location: 11p15.1.
Variant type: single nucleotide variant.
Coding change: c.3468T>G on transcript NM_001292063.2 (MANE Select); coding-DNA position 3468, T replaced by G.
Protein change: p.Phe1156Leu; replaces phenylalanine 1156 with leucine.
Molecular consequence: missense variant.
Genome position (GRCh38, 1-based): chr11:17,596,097, T>G. VCF-style: chr11-17596097-T-G. GRCh37 (hg19) VCF-style: chr11-17617644-T-G.
Other names: c.3504T>G, p.Phe1168Leu (NM_001277269.2); short protein forms F1156L, F1168L.
Identifiers: ClinVar variation 4072605 (VCV004072605.1).